The following is an entry in ClinVar:

NM_007129.5(ZIC2):c.547C>A (p.Leu183Met)

Gene: ZIC2 (Zic family zinc finger 2; plus strand). Cytogenetic location: 13q32.3.
Variant type: single nucleotide variant.
Coding change: c.547C>A on transcript NM_007129.5 (MANE Select); coding-DNA position 547, C replaced by A.
Protein change: p.Leu183Met; replaces leucine 183 with methionine.
Molecular consequence: missense variant.
Genome position (GRCh38, 1-based): chr13:99,982,611, C>A. VCF-style: chr13-99982611-C-A. GRCh37 (hg19) VCF-style: chr13-100634865-C-A.
Other names: short protein forms L183M.
Identifiers: ClinVar variation 3614908 (VCV003614908.2).

ClinVar aggregate classification (germline): Uncertain significance (1 of 4 stars; one submission).

Conditions:
Holoprosencephaly 5 (HPE5). Identifiers: Orphanet 2162, MedGen C1864827, MONDO:0012322, OMIM 609637.

Submission:

Labcorp Genetics (formerly Invitae), Labcorp
Classification: Uncertain significance for Holoprosencephaly 5. Last evaluated: 2024-06-03. Review status: criteria provided, single submitter. Criteria: Invitae Variant Classification Sherloc (09022015). Collection method: clinical testing. Allele origin: germline.
Comment: This sequence change replaces leucine, which is neutral and non-polar, with methionine, which is neutral and non-polar, at codon 183 of the ZIC2 protein (p.Leu183Met). This variant is not present in population databases (gnomAD no frequency). This variant has not been reported in the literature in individuals affected with ZIC2-related conditions. Advanced modeling of protein sequence and biophysical properties (such as structural, functional, and spatial information, amino acid conservation, physicochemical variation, residue mobility, and thermodynamic stability) performed at Invitae indicates that this missense variant is not expected to disrupt ZIC2 protein function with a negative predictive value of 80%. In summary, the available evidence is currently insufficient to determine the role of this variant in disease. Therefore, it has been classified as a Variant of Uncertain Significance.